The following is an entry in ClinVar:

NM_001374828.1(ARID1B):c.3815T>C (p.Leu1272Pro)

Gene: ARID1B (AT-rich interaction domain 1B; plus strand). Cytogenetic location: 6q25.3.
Variant type: single nucleotide variant.
Coding change: c.3815T>C on transcript NM_001374828.1 (MANE Select); coding-DNA position 3815, T replaced by C.
Protein change: p.Leu1272Pro; replaces leucine 1272 with proline.
Molecular consequence: missense variant.
Genome position (GRCh38, 1-based): chr6:157,184,331, T>C. VCF-style: chr6-157184331-T-C. GRCh37 (hg19) VCF-style: chr6-157505465-T-C.
Other names: c.3566T>C, p.Leu1189Pro (NM_001346813.1); c.1316T>C, p.Leu439Pro (NM_001363725.2); c.3695T>C, p.Leu1232Pro (NM_001371656.1, NM_001374820.1); c.3656T>C, p.Leu1219Pro (NM_017519.3); c.3446T>C, p.Leu1149Pro (NM_020732.3); c.3233T>C, p.Leu1078Pro (NM_175863.2); short protein forms L1078P, L1149P, L1189P, L1219P, L1232P, L1272P, L439P.
Identifiers: ClinVar variation 2429420 (VCV002429420.3), dbSNP rs2128325354, ClinGen allele CA366230402.

ClinVar aggregate classification (germline): Uncertain significance (1 of 4 stars; one submission).

Submission:

Illumina Laboratory Services, Illumina
Classification: Uncertain significance. Last evaluated: 2022-12-20. Review status: criteria provided, single submitter. Criteria: ICSL CNVClassificationCriteria Aug2020. Collection method: clinical testing. Allele origin: unknown. Affected: yes.
Comment: The ARID1B c.3566T>C (p.Leu1189Pro) missense variant results in the substitution of leucine at amino acid position 1189 with proline. To our knowledge, this variant has not been reported in the peer-reviewed literature. This variant is not found in version 2.1.1 or version 3.1.2 of the Genome Aggregation Database. Missense variants are not the most common variant type for this disorder, but in silico tools consistently predict that this variant will impact protein function. This variant was identified in a de novo state. Based on the available evidence, the c.3566T>C (p.Leu1189Pro) variant is classified as a variant of uncertain significance for Coffin-Siris syndrome.